The following is an entry in ClinVar:

ClinVar aggregate classification (germline): Uncertain significance (1 of 4 stars; one submission).

Allele frequency attached by ClinVar (database versions not stated): ESP Exome Variant Server 0.00023; 1000 Genomes Project 30x 0.00062; 1000 Genomes Project 0.00060.
gnomAD v4.1: 91 of 1,613,282 alleles (0.0056%); highest among the groups gnomAD compares: African/African-American, 0.1%; no homozygotes.

Submission:

Labcorp Genetics (formerly Invitae), Labcorp
Classification: Uncertain significance. Last evaluated: 2025-07-16. Review status: criteria provided, single submitter. Criteria: Invitae Variant Classification Sherloc (09022015). Collection method: clinical testing. Allele origin: germline.
Comment: This sequence change falls in intron 3 of the PLTP gene. It does not directly change the encoded amino acid sequence of the PLTP protein. It affects a nucleotide within the consensus splice site. This variant is present in population databases (rs200070216, gnomAD 0.1%), and has an allele count higher than expected for a pathogenic variant. This variant has not been reported in the literature in individuals affected with PLTP-related conditions. ClinVar contains an entry for this variant (Variation ID: 2724219). Variants that disrupt the consensus splice site are a relatively common cause of aberrant splicing (PMID: 17576681, 9536098). Algorithms developed to predict the effect of sequence changes on RNA splicing suggest that this variant is not likely to affect RNA splicing. In summary, the available evidence is currently insufficient to determine the role of this variant in disease. Therefore, it has been classified as a Variant of Uncertain Significance.

Literature cited by the submitters: PubMed 17576681; PubMed 9536098.

NM_006227.4(PLTP):c.200+3A>C

Gene: PLTP (phospholipid transfer protein; minus strand). Cytogenetic location: 20q13.12.
Variant type: single nucleotide variant.
Coding change: c.200+3A>C on transcript NM_006227.4 (MANE Select); 3 bases into the intron after coding-DNA position 200, A replaced by C.
Molecular consequence: intron variant.
Genome position (GRCh38, 1-based): chr20:45,911,149, T>G on the plus strand (A>C on the coding strand, the complement: PLTP is on the minus strand). VCF-style: chr20-45911149-T-G. GRCh37 (hg19) VCF-style: chr20-44539788-T-G.
Other names: c.200+3A>C (NM_001242920.2, NM_182676.3).
Identifiers: ClinVar variation 2724219 (VCV002724219.3), dbSNP rs200070216, ClinGen allele CA9883981.